The following is an entry in ClinVar:

ClinVar aggregate classification (germline): Likely pathogenic (1 of 4 stars; one submission).

Conditions:
Immunodeficiency 57. Also called: IMMUNODEFICIENCY 57 WITH AUTOINFLAMMATION. Identifiers: MedGen C4748212, MONDO:0020849, OMIM 618108.

Submission:

3billion
Classification: Likely pathogenic for Immunodeficiency 57. Last evaluated: 2025-07-01. Review status: criteria provided, single submitter. Criteria: ACMG Guidelines, 2015. Collection method: clinical testing. Allele origin: germline. Affected: yes.
Comment: The variant is not observed in the gnomAD v4.1.0 dataset. Predicted Consequence/Location: Frameshift: predicted to result in a loss or disruption of normal protein function through protein truncation. The predicted truncated protein may be shortened by more than 10%. Therefore, this variant is classified as Likely pathogenic according to the recommendation of ACMG/AMP guideline.

NM_001354930.2(RIPK1):c.1771_1772del (p.Arg591fs)

Gene: RIPK1 (receptor interacting serine/threonine kinase 1; plus strand). Cytogenetic location: 6p25.2.
Variant type: Deletion.
Coding change: c.1771_1772del on transcript NM_001354930.2 (MANE Select); coding-DNA positions 1771 to 1772, 2 bases deleted (AG; older notation c.1771_1772delAG).
Protein change: p.Arg591fs; shifts the reading frame from arginine 591.
Molecular consequence: frameshift variant.
Genome position (GRCh38, 1-based): chr6:3,113,094-3,113,095, AG deleted. VCF-style (leftmost placement, unchanged base first): chr6-3113093-CAG-C. GRCh37 (hg19) VCF-style: chr6-3113327-CAG-C.
Other names: c.1282_1283del, p.Arg428fs (NM_001317061.3, NM_001354932.2, NM_001354933.2 and 1 more transcripts); c.1633_1634del, p.Arg545fs (NM_001354931.2); c.1771_1772del, p.Arg591fs (NM_003804.6); short protein forms R428fs, R545fs, R591fs.
Identifiers: ClinVar variation 4854031 (VCV004854031.1).
Genomic context (GRCh38, chr6:3,113,093, plus strand): 5'-TTCTTTTTCCCATTTGGCAGATAATACCACTAGTCTGACGGATAAACACCTGGACCCAAT[CAG>C]GGAAAATCTGGGAAAGCACTGGAAAAACTGTGCCCGTAAACTGGGCTTCACACAGTCTCA-3'